The following is an entry in ClinVar:

NM_031407.7(HUWE1):c.12187C>T (p.Arg4063Trp)

Gene: HUWE1 (HECT, UBA and WWE domain containing E3 ubiquitin protein ligase 1; minus strand). Cytogenetic location: Xp11.22.
Variant type: single nucleotide variant.
Coding change: c.12187C>T on transcript NM_031407.7 (MANE Select); coding-DNA position 12187, C replaced by T.
Protein change: p.Arg4063Trp; replaces arginine 4063 with tryptophan.
Molecular consequence: missense variant.
Genome position (GRCh38, 1-based): chrX:53,536,618, G>A on the plus strand (C>T on the coding strand, the complement: HUWE1 is on the minus strand). VCF-style: chrX-53536618-G-A. GRCh37 (hg19) VCF-style: chrX-53563579-G-A.
Other names: c.12187C>T (NM_031407.6); short protein forms R4063W.
Identifiers: ClinVar variation 1697155 (VCV001697155.3), dbSNP rs2146881246, ClinGen allele CA413151531.
Genomic context (GRCh38, chrX:53,536,618, plus strand): 5'-TACGGAACAAGGCATACATAGGGTTAAACATCTCTCGAGAGATGATCATATACCACTCCC[G>A]CAGGAGCCCACCAGCATCCTGCCCTTCTTCTCCTTCAAATACTATATACCTGCATAAGAA-3'
Protein context (NP_113584.3, residues 4053-4073): EEGQDAGGLL[Arg4063Trp]EWYMIISREM

ClinVar aggregate classification (germline): Uncertain significance. Review status: criteria provided, multiple submitters, no conflicts (2 of 4 stars). 2 submissions from 2 submitters: Uncertain significance (2). Last evaluated 2024-10-09.

Conditions:
Intellectual developmental disorder, X-linked, syndromic, Turner type. Also called: X-linked intellectual disability, Turner type; Intellectual disability, X-linked syndromic, Turner type. Identifiers: Orphanet 3056, Orphanet 85328, MedGen C2678046, MONDO:0010407, OMIM 309590.

Allele frequency attached by ClinVar (database versions not stated): gnomAD exomes below 0.00001.
gnomAD v4.1: 1 of 1,207,372 alleles (0.000083%); highest among the groups gnomAD compares: Non-Finnish European, 0.00011%; no homozygotes.

Submissions (2):

Victorian Clinical Genetics Services, Murdoch Childrens Research Institute
Classification: Uncertain significance for Intellectual developmental disorder, X-linked, syndromic, Turner type. Last evaluated: 2024-10-09. Review status: criteria provided, single submitter. Criteria: ACMG Guidelines, 2015. Collection method: clinical testing. Allele origin: germline. Inheritance: X-linked inheritance. Affected: yes.
Comment: Based on the classification scheme VCGS_Germline_v1.3.4, this variant is classified as VUS-3A. Following criteria are met: 0103 - Loss of function and gain of function are known mechanisms of disease in this gene and are associated with intellectual developmental disorder, X-linked syndromic, Turner type (MIM#309590) (PMID: 27130160). (I) 0110 - This gene is associated with X-linked disease. Due to skewed X-inactivation heterozygous females can be variably affected ranging from asymptomatic to fully manifesting the condition (PMID: 29180823). (I) 0200 - Variant is predicted to result in a missense amino acid change from arginine to tryptophan. (I) 0253 - This variant is hemizygous. (I) 0301 - Variant is absent from gnomAD (both v2 and v3). (SP) 0501 - Missense variant consistently predicted to be damaging by multiple in silico tools or highly conserved with a major amino acid change. (SP) 0603 - Missense variant in a region that is highly intolerant to missense variation (high constraint region in DECIPHER). (SP) 0704 - Another missense variant comparable to the one identified in this case has limited previous evidence for pathogenicity. p.(Arg4063Gln) has been reported in a family where two brothers with the variant presented with severe intellectual disability. This variant was inherited from their mother, who presented with mild learning difficulties. Three female siblings were also identified with the variant; one had mild learning difficulties (PMID: 27130160). (SP) 0809 - Previous evidence of pathogenicity for this variant is inconclusive. This variant has been reported once as a VUS in a hemizygous individual with global developmental delay, intellectual disability, hypotonia and dysmorphic features (ClinVar, personal communication). (I) 0905 - No published segregation evidence has been identified for this variant. (I) 1007 - No published functional evidence has been identified for this variant. (I) Legend: (SP) - Supporting pathogenic, (I) - Information, (SB) - Supporting benign

GeneDx
Classification: Uncertain significance. Last evaluated: 2022-01-18. Review status: criteria provided, single submitter. Criteria: GeneDx Variant Classification Process June 2021. Collection method: clinical testing. Allele origin: germline. Affected: yes.
Comment: Not observed at significant frequency in large population cohorts (gnomAD); In silico analysis supports that this missense variant has a deleterious effect on protein structure/function; Has not been previously published as pathogenic or benign to our knowledge

Literature cited by the submitters: PubMed 27130160 (cited by Victorian Clinical Genetics Services, Murdoch Childrens Research Institute); PubMed 29180823 (cited by Victorian Clinical Genetics Services, Murdoch Childrens Research Institute).